The following is an entry in ClinVar:

NM_003640.5(ELP1):c.-17G>A

Gene: ELP1 (elongator acetyltransferase complex subunit 1; minus strand). Cytogenetic location: 9q31.3.
Variant type: single nucleotide variant.
Coding change: c.-17G>A on transcript NM_003640.5 (MANE Select); 17 bases upstream of the start codon, G replaced by A.
Molecular consequence: 5 prime UTR variant. On other transcripts: intron variant (1).
Genome position (GRCh38, 1-based): chr9:108,931,163, C>T on the plus strand (G>A on the coding strand, the complement: ELP1 is on the minus strand). VCF-style: chr9-108931163-C-T. GRCh37 (hg19) VCF-style: chr9-111693443-C-T.
Other names: c.-876G>A (NM_001330749.2); c.-252-107G>A (NM_001318360.2); c.-17G>A (LRG_251t1).
Identifiers: ClinVar variation 382635 (VCV000382635.3), dbSNP rs199738099, ClinGen allele CA5175489.

ClinVar aggregate classification (germline): Likely benign. Review status: criteria provided, multiple submitters, no conflicts (2 of 4 stars). 3 submissions from 3 submitters: Likely benign (2). 1 of the submissions does not count toward it. Last evaluated 2020-04-30.

Conditions:
Familial dysautonomia. Also called: FD; HSAN III. Identifiers: Orphanet 1764, MedGen C0013364, MONDO:0009131, OMIM 223900. Disease mechanism: loss of function.

Allele frequency attached by ClinVar (database versions not stated): TOPMed 0.00008; ESP Exome Variant Server 0.00015; 1000 Genomes Project 30x 0.00016; 1000 Genomes Project 0.00020.
gnomAD v4.1: 127 of 1,612,502 alleles (0.0079%); highest among the groups gnomAD compares: East Asian, 0.022%; 1 homozygote.

Submissions (3):

Blueprint Genetics
Classification: Likely benign. Last evaluated: 2020-04-30. Review status: criteria provided, single submitter. Criteria: ACMG Guidelines, 2015. Collection method: clinical testing. Allele origin: germline.

GeneDx
Classification: Likely benign. Last evaluated: 2016-01-08. Review status: criteria provided, single submitter. Criteria: GeneDx Variant Classification (06012015). Collection method: clinical testing. Allele origin: germline. Affected: yes.
Comment: This variant is considered likely benign or benign based on one or more of the following criteria: it is a conservative change, it occurs at a poorly conserved position in the protein, it is predicted to be benign by multiple in silico algorithms, and/or has population frequency not consistent with disease.

Natera, Inc.
Classification: Likely benign for Hereditary sensory and autonomic neuropathy type III. Last evaluated: 2020-04-14. Review status: no assertion criteria provided. Collection method: clinical testing. Allele origin: germline. Not counted in ClinVar's aggregate classification.